The following is an entry in ClinVar:

NM_002890.3(RASA1):c.1772G>A (p.Arg591His)

Genes: CCNH (cyclin H; minus strand), RASA1 (RAS p21 protein activator 1; plus strand). Cytogenetic location: 5q14.3.
Variant type: single nucleotide variant.
Coding change: c.1772G>A on transcript NM_002890.3 (MANE Select); coding-DNA position 1772, G replaced by A.
Protein change: p.Arg591His; replaces arginine 591 with histidine.
Molecular consequence: missense variant. On other transcripts: intron variant (1).
Genome position (GRCh38, 1-based): chr5:87,372,191, G>A. VCF-style: chr5-87372191-G-A. GRCh37 (hg19) VCF-style: chr5-86668008-G-A.
Other names: c.1241G>A, p.Arg414His (NM_022650.3); c.933+22853C>T (NM_001364075.2); short protein forms R591H, R414H.
Identifiers: ClinVar variation 960486 (VCV000960486.10), dbSNP rs1760998312, ClinGen allele CA360373281.

ClinVar aggregate classification (germline): Uncertain significance (1 of 4 stars; one submission).

Conditions:
Capillary malformation-arteriovenous malformation syndrome. Also called: Capillary malformation-arteriovenous malformation. Identifiers: Orphanet 137667, MedGen C1842180, MONDO:0012016.

Allele frequency attached by ClinVar (database versions not stated): gnomAD exomes below 0.00001.
gnomAD v4.1: 1 of 1,612,986 alleles (0.000062%); highest among the groups gnomAD compares: Non-Finnish European, 0.000085%; no homozygotes.

Submission:

Labcorp Genetics (formerly Invitae), Labcorp
Classification: Uncertain significance for Capillary malformation-arteriovenous malformation syndrome. Last evaluated: 2025-07-06. Review status: criteria provided, single submitter. Criteria: Invitae Variant Classification Sherloc (09022015). Collection method: clinical testing. Allele origin: germline.
Comment: This sequence change replaces arginine, which is basic and polar, with histidine, which is basic and polar, at codon 591 of the RASA1 protein (p.Arg591His). This variant is not present in population databases (gnomAD no frequency). This variant has not been reported in the literature in individuals affected with RASA1-related conditions. ClinVar contains an entry for this variant (Variation ID: 960486). An algorithm developed to predict the effect of missense changes on protein structure and function (PolyPhen-2) suggests that this variant is likely to be disruptive. In summary, the available evidence is currently insufficient to determine the role of this variant in disease. Therefore, it has been classified as a Variant of Uncertain Significance.